The following is an entry in ClinVar:

NM_000390.4(CHM):c.652_655del (p.Ser218fs)

Gene: CHM (CHM Rab escort protein; minus strand). Cytogenetic location: Xq21.2.
Variant type: Deletion.
Coding change: c.652_655del on transcript NM_000390.4 (MANE Select); coding-DNA positions 652 to 655, 4 bases deleted (TCAC; older notation c.652_655delTCAC).
Protein change: p.Ser218fs; shifts the reading frame from serine 218.
Molecular consequence: frameshift variant.
Genome position (GRCh38, 1-based): chrX:85,963,712-85,963,715, GTGA deleted on the plus strand (TCAC on the coding strand, the reverse complement: CHM is on the minus strand); deleting any 4 consecutive bases within chrX:85,963,712-85,963,717 gives the same sequence; the c. name uses the placement nearest the transcript's 3' end. VCF-style (leftmost placement, unchanged base first): chrX-85963711-TGTGA-T. GRCh37 (hg19) VCF-style: chrX-85218716-TGTGA-T.
Other names: c.208_211del, p.Ser70fs (NM_001320959.1, NM_001362517.1, NM_001362518.2 and 1 more transcripts); short protein forms S218fs, S70fs.
Identifiers: ClinVar variation 937037 (VCV000937037.13), dbSNP rs1930413413, ClinGen allele CA1139667677.

ClinVar aggregate classification (germline): Pathogenic. Review status: criteria provided, multiple submitters, no conflicts (2 of 4 stars). 4 submissions from 4 submitters: Pathogenic (4). Last evaluated 2025-04-03.

Conditions:
Choroideremia. Also called: Chorioretinal scalloped atrophy. Identifiers: Orphanet 180, MedGen C0008525, MONDO:0010557, OMIM 303100, HP:0001139.
CHM-related disorders.

Submissions (4):

GeneDx
Classification: Pathogenic. Last evaluated: 2025-04-03. Review status: criteria provided, single submitter. Criteria: GeneDx Variant Classification Process June 2021. Collection method: clinical testing. Allele origin: germline. Affected: yes.
Comment: Frameshift variant predicted to result in protein truncation or nonsense mediated decay in a gene for which loss of function is a known mechanism of disease; Not observed at significant frequency in large population cohorts (gnomAD); This variant is associated with the following publications: (PMID: 33538369, 21905166, 33946315, 36460718, 26133251, 38219857)

Labcorp Genetics (formerly Invitae), Labcorp
Classification: Pathogenic. Last evaluated: 2025-04-03. Review status: criteria provided, single submitter. Criteria: Invitae Variant Classification Sherloc (09022015). Collection method: clinical testing. Allele origin: germline.
Comment: This sequence change creates a premature translational stop signal (p.Ser218Lysfs*13) in the CHM gene. It is expected to result in an absent or disrupted protein product. Loss-of-function variants in CHM are known to be pathogenic (PMID: 9067750, 23811034). This variant is not present in population databases (gnomAD no frequency). This premature translational stop signal has been observed in individuals with choroideremia (PMID: 21905166, 26133251). ClinVar contains an entry for this variant (Variation ID: 937037). For these reasons, this variant has been classified as Pathogenic.

Blueprint Genetics
Classification: Pathogenic for CHM-related disorders. Last evaluated: 2022-07-20. Review status: criteria provided, single submitter. Criteria: ACMG Guidelines, 2015. Collection method: clinical testing. Allele origin: germline. Affected: yes. Observed: 1 variant allele.

3billion
Classification: Pathogenic for Choroideremia. Last evaluated: 2022-01-03. Review status: criteria provided, single submitter. Criteria: ACMG Guidelines, 2015. Collection method: clinical testing. Allele origin: germline. Affected: yes. Observed: 1 hemizygote.
Comment: Frameshift: predicted to result in a loss or disruption of normal protein function through nonsense-mediated decay (NMD) or protein truncation. Multiple pathogenic variants are reported downstream of the variant (PVS1_VS). It is not observed in the gnomAD v2.1.1 dataset (PM2_M). The variant has been reported to be associated with CHM related disorder (ClinVar ID: VCV000937037, PMID:21905166, 3billion dataset).Therefore, this variant is classified as pathogenic according to the recommendation of ACMG/AMP guideline.

Literature cited by the submitters: PubMed 9067750 (cited by Labcorp Genetics (formerly Invitae), Labcorp); PubMed 23811034 (cited by Labcorp Genetics (formerly Invitae), Labcorp); PubMed 21905166 (cited by Labcorp Genetics (formerly Invitae), Labcorp and 3billion); PubMed 26133251 (cited by Labcorp Genetics (formerly Invitae), Labcorp).